The following is an entry in ClinVar:

NM_004444.5(EPHB4):c.7C>A (p.Leu3Ile)

Genes: EPHB4 (EPH receptor B4; minus strand), SLC12A9 (solute carrier family 12 member 9; plus strand). Cytogenetic location: 7q22.1.
Variant type: single nucleotide variant.
Coding change: c.7C>A on transcript NM_004444.5 (MANE Select); coding-DNA position 7, C replaced by A.
Protein change: p.Leu3Ile; replaces leucine 3 with isoleucine.
Molecular consequence: missense variant. On other transcripts: 5 prime UTR variant (1).
Genome position (GRCh38, 1-based): chr7:100,827,024, G>T on the plus strand (C>A on the coding strand, the complement: EPHB4 is on the minus strand). VCF-style: chr7-100827024-G-T. GRCh37 (hg19) VCF-style: chr7-100424646-G-T.
Other names: p.Leu3Ile; c.-5G>T (NM_001363494.1); c.7C>A (NM_004444.4); short protein forms L3I.
Identifiers: ClinVar variation 3379784 (VCV003379784.2).

ClinVar aggregate classification (germline): Uncertain significance. Review status: criteria provided, multiple submitters, no conflicts (2 of 4 stars). 2 submissions from 2 submitters: Uncertain significance (2). Last evaluated 2025-08-20.

Conditions:
Cardiovascular phenotype. Identifiers: MedGen CN230736.

gnomAD v4.1: 3 of 1,584,276 alleles (0.00019%); highest among the groups gnomAD compares: Non-Finnish European, 0.00026%; no homozygotes.

Submissions (2):

Ambry Genetics
Classification: Uncertain significance for Cardiovascular phenotype. Last evaluated: 2025-08-20. Review status: criteria provided, single submitter. Criteria: Ambry Variant Classification Scheme 2023. Collection method: clinical testing. Allele origin: germline.
Comment: The p.L3I variant (also known as c.7C>A), located in coding exon 1 of the EPHB4 gene, results from a C to A substitution at nucleotide position 7. The leucine at codon 3 is replaced by isoleucine, an amino acid with highly similar properties. This amino acid position is conserved. In addition, this alteration is predicted to be tolerated by in silico analysis. Based on the available evidence, the clinical significance of this variant remains unclear.

Mayo Clinic Laboratories, Mayo Clinic
Classification: Uncertain significance. Last evaluated: 2024-09-11. Review status: criteria provided, single submitter. Criteria: ACMG Guidelines, 2015. Collection method: clinical testing. Allele origin: germline. Observed: 1 variant allele.
Comment: BP4, PM2